The following is an entry in ClinVar:

NM_001194986.2(TRABD2B):c.315C>T (p.His105=)

Gene: TRABD2B (TraB domain containing 2B; minus strand). Cytogenetic location: 1p33.
Variant type: single nucleotide variant.
Coding change: c.315C>T on transcript NM_001194986.2 (MANE Select); coding-DNA position 315, C replaced by T.
Protein change: p.His105=; no amino-acid change (histidine 105 retained).
Molecular consequence: synonymous variant.
Genome position (GRCh38, 1-based): chr1:47,994,385, G>A on the plus strand (C>T on the coding strand, the complement: TRABD2B is on the minus strand). VCF-style: chr1-47994385-G-A. GRCh37 (hg19) VCF-style: chr1-48460057-G-A.
Identifiers: ClinVar variation 2638809 (VCV002638809.24), dbSNP rs188128120, ClinGen allele CA843330.

ClinVar aggregate classification (germline): Likely benign (1 of 4 stars; one submission).

Allele frequency attached by ClinVar (database versions not stated): 1000 Genomes Project 0.00060; 1000 Genomes Project 30x 0.00062; ExAC 0.00073; TOPMed 0.00108; gnomAD exomes 0.00139; gnomAD 0.00213.
gnomAD v4.1: 2,229 of 1,536,180 alleles (0.15%); highest among the groups gnomAD compares: Non-Finnish European, 0.14%; 13 homozygotes.

Submission:

CeGaT Center for Human Genetics Tuebingen
Classification: Likely benign. Last evaluated: 2023-04-01. Review status: criteria provided, single submitter. Criteria: CeGaT Center For Human Genetics Tuebingen Variant Classification Criteria Version 2. Collection method: clinical testing. Allele origin: germline. Affected: yes. Observed: 1 variant allele.
Comment: TRABD2B: BP4, BP7